The following is an entry in ClinVar:

NM_001080517.3(SETD5):c.2590_2591del (p.Lys864fs)

Gene: SETD5 (SET domain containing 5; plus strand). Cytogenetic location: 3p25.3.
Variant type: Deletion.
Coding change: c.2590_2591del on transcript NM_001080517.3 (MANE Select); coding-DNA positions 2590 to 2591, 2 bases deleted (AA; older notation c.2590_2591delAA).
Protein change: p.Lys864fs; shifts the reading frame from lysine 864.
Molecular consequence: frameshift variant.
Genome position (GRCh38, 1-based): chr3:9,464,538-9,464,539, AA deleted; deleting any 2 consecutive bases within chr3:9,464,537-9,464,539 gives the same sequence; the c. name uses the placement nearest the transcript's 3' end. VCF-style (leftmost placement, unchanged base first): chr3-9464536-CAA-C. GRCh37 (hg19) VCF-style: chr3-9506220-CAA-C.
Other names: c.2296_2297del, p.Lys766fs (NM_001292043.2, NM_001349451.2); short protein forms K766fs, K864fs.
Identifiers: ClinVar variation 3254886 (VCV003254886.1), dbSNP rs2044336029.
Genomic context (GRCh38, chr3:9,464,536, plus strand): 5'-ATGTCACCAAGTTACTTCGGCCTCTGTCTCCAGTCACACCACCCCCTCCCAATTCAGGCT[CAA>C]AGAGTCCCCAGCTGGCCACACCTGGCTCATCTCACCCAGGAGAAGAGGAGTGTCGAAATG-3'

ClinVar aggregate classification (germline): Pathogenic (1 of 4 stars; one submission).

Conditions:
Intellectual disability-facial dysmorphism syndrome due to SETD5 haploinsufficiency (MRD23). Also called: Intellectual developmental disorder, autosomal dominant 23. Identifiers: Orphanet 404440, MedGen C3810406, MONDO:0014336, OMIM 615761.

Submission:

Victorian Clinical Genetics Services, Murdoch Childrens Research Institute
Classification: Pathogenic for Intellectual disability-facial dysmorphism syndrome due to SETD5 haploinsufficiency. Last evaluated: 2023-07-17. Review status: criteria provided, single submitter. Criteria: ACMG Guidelines, 2015. Collection method: clinical testing. Allele origin: germline. Inheritance: Autosomal dominant inheritance. Affected: yes.
Comment: Based on the classification scheme VCGS_Germline_v1.3.4, this variant is classified as Pathogenic. Following criteria are met: 0102 - Loss of function is a known mechanism of disease in this gene and is associated with intellectual developmental disorder, autosomal dominant 23 (MIM#615761). (I) 0107 - This gene is associated with autosomal dominant disease. (I) 0115 - Variants in this gene are known to have variable expressivity. Some mildly affected mothers with the same SETD5 variant as their more severely affected children have been reported (PMID: 28881385). (I) 0201 - Variant is predicted to cause nonsense-mediated decay (NMD) and loss of protein (premature termination codon is located at least 54 nucleotides upstream of the final exon-exon junction). (SP) 0251 - This variant is heterozygous. (I) 0301 - Variant is absent from gnomAD (both v2 and v3). (SP) 0701 - Other NMD predicted variants comparable to the one identified in this case have very strong previous evidence for pathogenicity (DECIPHER). (SP) 0807 - This variant has no previous evidence of pathogenicity. (I) 0905 - No published segregation evidence has been identified for this variant. (I) 1007 - No published functional evidence has been identified for this variant. (SP) Legend: (SP) - Supporting pathogenic, (I) - Information, (SB) - Supporting benign

Literature cited by the submitters: PubMed 28881385.